The following is an entry in ClinVar:

ClinVar aggregate classification (germline): Pathogenic (0 of 4 stars; one submission).

Conditions:
X-linked agammaglobulinemia (XLA). Also called: Agammaglobulinemia, Bruton tyrosine kinase; Agammaglobulinemia, BTK; BTK-deficiency; IMMUNODEFICIENCY 1; Bruton's agammaglobulinemia; AGAMMAGLOBULINEMIA, X-LINKED, TYPE 1. Identifiers: Orphanet 229717, Orphanet 47, MedGen C0221026, MONDO:0010421, OMIM 300755.

Submission:

Institute of Medical Genetics and Genomics, Sir Ganga Ram Hospital
Classification: Pathogenic for X-linked agammaglobulinemia. Last evaluated: 2022-05-10. Review status: no assertion criteria provided. Collection method: clinical testing. Allele origin: germline. Inheritance: X-linked recessive inheritance. Affected: yes. Observed: 1 hemizygote.
Comment: The variant c.126T>A (p.Tyr42Ter) has been previously reported by Xiangdong Kong et al., in 2014. This not been observed in gnomAD and 1000g. In-silico bioinformatic software predict this variant by mutation taster as Disease causing. Based on the phenotypic observation we classify this variant as pathogenic variant.

Literature cited by the submitters: PubMed 25142992.

NM_000061.3(BTK):c.126T>A (p.Tyr42Ter)

Gene: BTK (Bruton tyrosine kinase; minus strand). Cytogenetic location: Xq22.1.
Variant type: single nucleotide variant.
Coding change: c.126T>A on transcript NM_000061.3 (MANE Select); coding-DNA position 126, T replaced by A.
Protein change: p.Tyr42Ter; replaces tyrosine 42 with a stop codon.
Molecular consequence: nonsense.
Genome position (GRCh38, 1-based): chrX:101,375,159, A>T on the plus strand (T>A on the coding strand, the complement: BTK is on the minus strand). VCF-style: chrX-101375159-A-T. GRCh37 (hg19) VCF-style: chrX-100630147-A-T.
Other names: c.228T>A, p.Tyr76Ter (NM_001287344.2); c.126T>A, p.Tyr42Ter (NM_001287345.2); short protein forms Y42*, Y76*.
Identifiers: ClinVar variation 1683491 (VCV001683491.3), dbSNP rs2147448164, ClinGen allele CA413939289.